The following is an entry in ClinVar:

NM_002578.5(PAK3):c.493C>G (p.Pro165Ala)

Gene: PAK3 (p21 (RAC1) activated kinase 3; plus strand). Cytogenetic location: Xq23.
Variant type: single nucleotide variant.
Coding change: c.493C>G on transcript NM_002578.5 (MANE Select); coding-DNA position 493, C replaced by G.
Protein change: p.Pro165Ala; replaces proline 165 with alanine.
Molecular consequence: missense variant. On other transcripts: non-coding transcript variant (2).
Genome position (GRCh38, 1-based): chrX:111,162,939, C>G. VCF-style: chrX-111162939-C-G. GRCh37 (hg19) VCF-style: chrX-110406167-C-G.
Other names: c.493C>G, p.Pro165Ala (NM_001128166.3, NM_001128167.3, NM_001324325.2 and 5 more transcripts); c.601C>G, p.Pro201Ala (NM_001128168.3); c.556C>G, p.Pro186Ala (NM_001128172.2); c.538C>G, p.Pro180Ala (NM_001128173.3, NM_001324327.2, NM_001324328.2 and 2 more transcripts); short protein forms P165A, P180A, P186A, P201A.
Identifiers: ClinVar variation 4885525 (VCV004885525.2).

ClinVar aggregate classification (germline): Uncertain significance (1 of 4 stars; one submission).

Submission:

Dasa
Classification: Uncertain significance. Last evaluated: 2026-03-12. Review status: criteria provided, single submitter. Criteria: DASA Assertion Criteria. Collection method: clinical testing. Allele origin: germline.
Comment: NM_002578.5(PAK3):c.493C>G (p.Pro165Ala) is a missense variant that results in the substitution of proline with alanine. This variant is rare in population databases. The currently available literature and clinical evidence are not sufficient to establish a definitive association between this variant and the reported condition. Therefore, this variant is classified as a variant of uncertain significance.